The following is an entry in ClinVar:

NM_016203.4(PRKAG2):c.392C>T (p.Ser131Phe)

Gene: PRKAG2 (protein kinase AMP-activated non-catalytic subunit gamma 2; minus strand). Cytogenetic location: 7q36.1.
Variant type: single nucleotide variant.
Coding change: c.392C>T on transcript NM_016203.4 (MANE Select); coding-DNA position 392, C replaced by T.
Protein change: p.Ser131Phe; replaces serine 131 with phenylalanine.
Molecular consequence: missense variant. On other transcripts: intron variant (1).
Genome position (GRCh38, 1-based): chr7:151,781,226, G>A on the plus strand (C>T on the coding strand, the complement: PRKAG2 is on the minus strand). VCF-style: chr7-151781226-G-A. GRCh37 (hg19) VCF-style: chr7-151478312-G-A.
Other names: c.260C>T, p.Ser87Phe (NM_001040633.2, NM_001407024.1, NM_001407026.1 and 2 more transcripts); c.392C>T, p.Ser131Phe (NM_001407021.1, NM_001407022.1, NM_001407023.1 and 2 more transcripts); c.148+33190C>T (NM_001407032.1); short protein forms S131F, S87F.
Identifiers: ClinVar variation 2567235 (VCV002567235.5), dbSNP rs2537921670, ClinGen allele CA370069444.
Genomic context (GRCh38, chr7:151,781,226, plus strand): 5'-GAGAAAAACCTGATGCCCCCGGGCGAGGTAGCAGGGTTGGAGTTGGGGGAAGACTCTTTG[G>A]AGGAGGAGCGGAAGATCCCACTGAAGCTCATGCGTCGAGGGGAGCGTGGCGGGGACTCCT-3'
Protein context (NP_057287.2, residues 121-141): MSFSGIFRSS[Ser131Phe]KESSPNSNPA

ClinVar aggregate classification (germline): Uncertain significance. Review status: criteria provided, multiple submitters, no conflicts (2 of 4 stars). 2 submissions from 2 submitters: Uncertain significance (2). Last evaluated 2023-07-17.

Conditions:
Cardiovascular phenotype. Identifiers: MedGen CN230736.
Lethal congenital glycogen storage disease of heart. Also called: GLYCOGEN STORAGE DISEASE OF HEART; PHOSPHORYLASE KINASE DEFICIENCY OF HEART. Identifiers: Orphanet 439854, MedGen C1849813, MONDO:0009867, OMIM 261740.

Submissions (2):

Labcorp Genetics (formerly Invitae), Labcorp
Classification: Uncertain significance for Lethal congenital glycogen storage disease of heart. Last evaluated: 2023-07-17. Review status: criteria provided, single submitter. Criteria: Invitae Variant Classification Sherloc (09022015). Collection method: clinical testing. Allele origin: germline.
Comment: This variant is not present in population databases (gnomAD no frequency). This sequence change replaces serine, which is neutral and polar, with phenylalanine, which is neutral and non-polar, at codon 131 of the PRKAG2 protein (p.Ser131Phe). This variant has not been reported in the literature in individuals affected with PRKAG2-related conditions. In summary, the available evidence is currently insufficient to determine the role of this variant in disease. Therefore, it has been classified as a Variant of Uncertain Significance. Advanced modeling of protein sequence and biophysical properties (such as structural, functional, and spatial information, amino acid conservation, physicochemical variation, residue mobility, and thermodynamic stability) performed at Invitae indicates that this missense variant is not expected to disrupt PRKAG2 protein function.

Ambry Genetics
Classification: Uncertain significance for Cardiovascular phenotype. Last evaluated: 2023-06-11. Review status: criteria provided, single submitter. Criteria: Ambry Variant Classification Scheme 2023. Collection method: clinical testing. Allele origin: germline.
Comment: The p.S131F variant (also known as c.392C>T), located in coding exon 3 of the PRKAG2 gene, results from a C to T substitution at nucleotide position 392. The serine at codon 131 is replaced by phenylalanine, an amino acid with highly dissimilar properties. This amino acid position is conserved. In addition, the in silico prediction for this alteration is inconclusive. Since supporting evidence is limited at this time, the clinical significance of this alteration remains unclear.